The following is an entry in ClinVar:

NM_001122769.3(LCA5):c.*1300G>A

Gene: LCA5 (lebercilin LCA5; minus strand). Cytogenetic location: 6q14.1.
Variant type: single nucleotide variant.
Coding change: c.*1300G>A on transcript NM_001122769.3 (MANE Select); 1300 bases downstream of the stop codon, G replaced by A.
Molecular consequence: 3 prime UTR variant.
Genome position (GRCh38, 1-based): chr6:79,485,704, C>T on the plus strand (G>A on the coding strand, the complement: LCA5 is on the minus strand). VCF-style: chr6-79485704-C-T. GRCh37 (hg19) VCF-style: chr6-80195421-C-T.
Other names: c.*1300G>A (NM_181714.4).
Identifiers: ClinVar variation 358073 (VCV000358073.6), dbSNP rs16890805, ClinGen allele CA10622740.

ClinVar aggregate classification (germline): Likely benign. Review status: criteria provided, multiple submitters, no conflicts (2 of 4 stars). 2 submissions from 2 submitters: Likely benign (2). Last evaluated 2018-01-13.

Conditions:
Leber congenital amaurosis 5 (LCA5). Also called: Amaurosis congenita of Leber, type 5. Identifiers: Orphanet 65, MedGen C1858301, MONDO:0011473, OMIM 604537.

Allele frequency attached by ClinVar (database versions not stated): 1000 Genomes Project 30x 0.02295; 1000 Genomes Project 0.02416; gnomAD 0.02447 and 0.02552; TOPMed 0.02513.

Submissions (2):

Illumina Laboratory Services, Illumina
Classification: Likely benign for Leber congenital amaurosis 5. Last evaluated: 2018-01-13. Review status: criteria provided, single submitter. Criteria: ICSL Variant Classification Criteria 13 December 2019. Collection method: clinical testing. Allele origin: germline.
Comment: This variant was observed in the ICSL laboratory as part of a predisposition screen in an ostensibly healthy population. It had not been previously curated by ICSL or reported in the Human Gene Mutation Database (HGMD: prior to June 1st, 2018), and was therefore a candidate for classification through an automated scoring system. Utilizing variant allele frequency, disease prevalence and penetrance estimates, and inheritance mode, an automated score was calculated to assess if this variant is too frequent to cause the disease. Based on the score and internal cut-off values, a variant classified as likely benign is not then subjected to further curation. The score for this variant resulted in a classification of likely benign for this disease.

Breakthrough Genomics
Classification: Likely benign. Review status: criteria provided, single submitter. Criteria: ACMG Guidelines, 2015. Collection method: not provided. Allele origin: germline. Inheritance: Autosomal recessive inheritance. Affected: yes.